The following is an entry in ClinVar:

NM_000406.3(GNRHR):c.*385A>G

Gene: GNRHR (gonadotropin releasing hormone receptor; minus strand). Cytogenetic location: 4q13.2.
Variant type: single nucleotide variant.
Coding change: c.*385A>G on transcript NM_000406.3 (MANE Select); 385 bases downstream of the stop codon, A replaced by G.
Molecular consequence: 3 prime UTR variant.
Genome position (GRCh38, 1-based): chr4:67,740,095, T>C on the plus strand (A>G on the coding strand, the complement: GNRHR is on the minus strand). VCF-style: chr4-67740095-T-C. GRCh37 (hg19) VCF-style: chr4-68605813-T-C.
Other names: c.*494A>G (NM_001012763.2).
Identifiers: ClinVar variation 907422 (VCV000907422.4), dbSNP rs111894416, ClinGen allele CA98667336.
Genomic context (GRCh38, chr4:67,740,095, plus strand): 5'-TATATAGCATACAACTCTAATTGCTAATATGCCCCTTTTGGAGAAAAACTCACCAAAGCA[T>C]GCTGAGTTTAGACCTGTGTTGTGGTTTCTCACCTTTGTTTTTTTGGCATCCTTGTGCCTT-3'

ClinVar aggregate classification (germline): Likely benign (1 of 4 stars; one submission).

Conditions:
Hypogonadotropic hypogonadism 7 with or without anosmia (HH7). Also called: HYPOGONADOTROPIC HYPOGONADISM 7 WITHOUT ANOSMIA; GNRHR-Related GnRH Deficiency. Identifiers: Orphanet 432, MedGen C0342384, MONDO:0007794, OMIM 146110.

Allele frequency attached by ClinVar (database versions not stated): gnomAD exomes 0.00027; gnomAD 0.00379 and 0.00401; 1000 Genomes Project 0.00399; TOPMed 0.00416; 1000 Genomes Project 30x 0.00468.
gnomAD v4.1: 583 of 198,706 alleles (0.29%); highest among the groups gnomAD compares: African/African-American, 1.3%; 3 homozygotes.

Submission:

Illumina Laboratory Services, Illumina
Classification: Likely benign for Hypogonadotropic hypogonadism 7 with or without anosmia. Last evaluated: 2017-10-28. Review status: criteria provided, single submitter. Criteria: ICSL Variant Classification Criteria 13 December 2019. Collection method: clinical testing. Allele origin: germline.
Comment: This variant was observed as part of a predisposition screen in an ostensibly healthy population. A literature search was performed for the gene, cDNA change, and amino acid change (where applicable). No publications were found based on this search. Allele frequency data from public databases allowed determination this variant is unlikely to cause disease. Therefore, this variant is classified as likely benign.